The following is an entry in ClinVar:

ClinVar aggregate classification (germline): Pathogenic (1 of 4 stars; one submission).

Conditions:
Severe combined immunodeficiency due to DCLRE1C deficiency (RS-SCID). Also called: SCID, AUTOSOMAL RECESSIVE, T CELL-NEGATIVE, B CELL-NEGATIVE, NK CELL-POSITIVE, WITH SENSITIVITY TO IONIZING RADIATION. Identifiers: Orphanet 275, MedGen C1865371, MONDO:0011225, OMIM 602450.

Submission:

Labcorp Genetics (formerly Invitae), Labcorp
Classification: Pathogenic for Athabaskan severe combined immunodeficiency. Last evaluated: 2020-02-06. Review status: criteria provided, single submitter. Criteria: Invitae Variant Classification Sherloc (09022015). Collection method: clinical testing. Allele origin: germline.
Comment: This sequence change creates a premature translational stop signal (p.His151Alafs*20) in the DCLRE1C gene. It is expected to result in an absent or disrupted protein product. This variant is not present in population databases (ExAC no frequency). This variant has not been reported in the literature in individuals with DCLRE1C-related disease. Loss-of-function variants in DCLRE1C are known to be pathogenic (PMID: 21664875, 26123418). For these reasons, this variant has been classified as Pathogenic.

Literature cited by the submitters: PubMed 21664875; PubMed 26123418.

NM_001033855.3(DCLRE1C):c.449dup (p.His151fs)

Gene: DCLRE1C (DNA cross-link repair 1C; minus strand). Cytogenetic location: 10p13.
Variant type: Duplication.
Coding change: c.449dup on transcript NM_001033855.3 (MANE Select); coding-DNA position 449, one base duplicated (T; older notation c.449dupT).
Protein change: p.His151fs; shifts the reading frame from histidine 151.
Molecular consequence: frameshift variant. On other transcripts: non-coding transcript variant (4).
Genome position (GRCh38, 1-based): chr10:14,935,478, A duplicated on the plus strand (T on the coding strand, the reverse complement: DCLRE1C is on the minus strand). VCF-style (leftmost placement, unchanged base first): chr10-14935477-C-CA. GRCh37 (hg19) VCF-style: chr10-14977476-C-CA.
Other names: c.89dup, p.His31fs (NM_001033857.3, NM_001033858.3, NM_001289077.2 and 2 more transcripts); c.104dup, p.His36fs (NM_001289076.2, NM_001289078.2, NM_001350966.2 and 1 more transcripts); c.449dup, p.His151fs (NM_001350965.2); c.449dup (NM_001033855.2); short protein forms H36fs, H151fs, H31fs.
Identifiers: ClinVar variation 664358 (VCV000664358.8), dbSNP rs1589070600, ClinGen allele CA915945857.
Genomic context (GRCh38, chr10:14,935,477, plus strand): 5'-ACAAAAATAAAATAAAATAAAATAAAACCTATACGAGGCCCAGTACCTGCCCCCGGAGTG[C>CA]AGAAGCTCCATTCTAGCAGCTTCTCCTTGCGCCAATCTGAAGTCTCCTGTGTACAGGACA-3'